The following is an entry in ClinVar:

NM_000426.4(LAMA2):c.443G>A (p.Arg148Gln)

Gene: LAMA2 (laminin subunit alpha 2; plus strand). Cytogenetic location: 6q22.33.
Variant type: single nucleotide variant.
Coding change: c.443G>A on transcript NM_000426.4 (MANE Select); coding-DNA position 443, G replaced by A.
Protein change: p.Arg148Gln; replaces arginine 148 with glutamine.
Molecular consequence: missense variant.
Genome position (GRCh38, 1-based): chr6:129,098,219, G>A. VCF-style: chr6-129098219-G-A. GRCh37 (hg19) VCF-style: chr6-129419364-G-A.
Other names: c.443G>A, p.Arg148Gln (NM_001079823.2); short protein forms R148Q.
Identifiers: ClinVar variation 659664 (VCV000659664.13), dbSNP rs148103319, ClinGen allele CA147280347.

ClinVar aggregate classification (germline): Conflicting classifications of pathogenicity. Review status: criteria provided, conflicting classifications (1 of 4 stars). 5 submissions from 5 submitters: Likely pathogenic (1); Uncertain significance (4). Last evaluated 2026-07-23.

Conditions:
Muscular dystrophy, limb-girdle, autosomal recessive 23. Identifiers: Orphanet 565837, MedGen C4748327, MONDO:0029136, OMIM 618138.
Merosin deficient congenital muscular dystrophy (MDC1A). Also called: Congenital merosin-deficient muscular dystrophy 1A; Congenital Muscular Dystrophy Type 1A (MDC1A). Identifiers: Orphanet 258, MedGen C1263858, MONDO:0011925, OMIM 607855.
LAMA2-related muscular dystrophy (LAMA2-RD). Also called: Laminin alpha 2-related dystrophy. Identifiers: MedGen C5679788, MONDO:0100228.

Allele frequency attached by ClinVar (database versions not stated): gnomAD exomes below 0.00001 and 0.00001; TOPMed below 0.00001; gnomAD 0.00001; ESP Exome Variant Server 0.00008.
gnomAD v4.1: 19 of 1,613,880 alleles (0.0012%); highest among the groups gnomAD compares: Non-Finnish European, 0.0016%; no homozygotes.

Submissions (5):

Myriad Genetics, Inc.
Classification: Likely pathogenic for LAMA2-related muscular dystrophy. Last evaluated: 2026-07-23. Review status: criteria provided, single submitter. Criteria: Myriad Autosomal Dominant, Autosomal Recessive and X-Linked Classification Criteria (2023). Collection method: clinical testing. Allele origin: unknown.
Comment: NM_000426.3(LAMA2):c.443G>A(R148Q) is a missense variant classified as likely pathogenic in the context of muscular dystrophy, LAMA2-related. R148Q has been observed in cases with relevant disease (PMID: 34281576, 40514726, 34559299, 35868801). Relevant functional assessments of this variant are not available in the literature. R148Q has been observed in referenced population frequency databases. In summary, NM_000426.3(LAMA2):c.443G>A(R148Q) is a missense variant that has been observed more frequently in cases with the relevant disease than in healthy populations. Please note: this variant was assessed in the context of healthy population screening.

Revvity Omics, Revvity
Classification: Uncertain significance. Last evaluated: 2022-11-28. Review status: criteria provided, single submitter. Criteria: ACMG Guidelines, 2015. Collection method: clinical testing. Allele origin: germline.

Labcorp Genetics (formerly Invitae), Labcorp
Classification: Uncertain significance for LAMA2-related muscular dystrophy. Last evaluated: 2021-12-21. Review status: criteria provided, single submitter. Criteria: Invitae Variant Classification Sherloc (09022015). Collection method: clinical testing. Allele origin: germline.
Comment: This sequence change replaces arginine, which is basic and polar, with glutamine, which is neutral and polar, at codon 148 of the LAMA2 protein (p.Arg148Gln). This variant is present in population databases (rs148103319, gnomAD 0.01%). This variant has not been reported in the literature in individuals affected with LAMA2-related conditions. ClinVar contains an entry for this variant (Variation ID: 659664). Algorithms developed to predict the effect of missense changes on protein structure and function are either unavailable or do not agree on the potential impact of this missense change (SIFT: "Deleterious"; PolyPhen-2: "Probably Damaging"; Align-GVGD: "Class C0"). Algorithms developed to predict the effect of sequence changes on RNA splicing suggest that this variant may create or strengthen a splice site. In summary, the available evidence is currently insufficient to determine the role of this variant in disease. Therefore, it has been classified as a Variant of Uncertain Significance.

Fulgent Genetics
Classification: Uncertain significance for Merosin deficient congenital muscular dystrophy; Muscular dystrophy, limb-girdle, autosomal recessive 23. Last evaluated: 2021-07-14. Review status: criteria provided, single submitter. Criteria: ACMG Guidelines, 2015. Collection method: clinical testing. Allele origin: unknown.

Blueprint Genetics
Classification: Uncertain significance. Last evaluated: 2019-04-16. Review status: criteria provided, single submitter. Criteria: ACMG Guidelines, 2015. Collection method: clinical testing. Allele origin: germline.

Literature cited by the submitters: PubMed 34281576 (cited by Myriad Genetics, Inc.); PubMed 34559299 (cited by Myriad Genetics, Inc.); PubMed 35868801 (cited by Myriad Genetics, Inc.); PubMed 40514726 (cited by Myriad Genetics, Inc.).